The following is an entry in ClinVar:

NM_176787.5(PIGN):c.1729G>C (p.Ala577Pro)

Gene: PIGN (phosphatidylinositol glycan anchor biosynthesis class N; minus strand). Cytogenetic location: 18q21.33.
Variant type: single nucleotide variant.
Coding change: c.1729G>C on transcript NM_176787.5 (MANE Select); coding-DNA position 1729, G replaced by C.
Protein change: p.Ala577Pro; replaces alanine 577 with proline.
Molecular consequence: missense variant.
Genome position (GRCh38, 1-based): chr18:62,106,827, C>G on the plus strand (G>C on the coding strand, the complement: PIGN is on the minus strand). VCF-style: chr18-62106827-C-G. GRCh37 (hg19) VCF-style: chr18-59774060-C-G.
Other names: c.1729G>C, p.Ala577Pro (NM_012327.6); short protein forms A577P.
Identifiers: ClinVar variation 660374 (VCV000660374.8), dbSNP rs1455253954, ClinGen allele CA402605002.

ClinVar aggregate classification (germline): Uncertain significance (1 of 4 stars; one submission).

Conditions:
Multiple congenital anomalies-hypotonia-seizures syndrome 1 (MCAHS1). Also called: PIGN-CDG; GLYCOSYLPHOSPHATIDYLINOSITOL BIOSYNTHESIS DEFECT 3; Congenital disorder of glycosylation due to PIGN deficiency. Identifiers: Orphanet 280633, MedGen C3279775, MONDO:0013563, OMIM 614080.

Allele frequency attached by ClinVar (database versions not stated): gnomAD exomes below 0.00001 and 0.00001.
gnomAD v4.1: 3 of 1,609,042 alleles (0.00019%); highest among the groups gnomAD compares: Non-Finnish European, 0.00025%; no homozygotes.

Submission:

Labcorp Genetics (formerly Invitae), Labcorp
Classification: Uncertain significance for Multiple congenital anomalies-hypotonia-seizures syndrome 1. Last evaluated: 2025-07-14. Review status: criteria provided, single submitter. Criteria: Invitae Variant Classification Sherloc (09022015). Collection method: clinical testing. Allele origin: germline.
Comment: This sequence change replaces alanine, which is neutral and non-polar, with proline, which is neutral and non-polar, at codon 577 of the PIGN protein (p.Ala577Pro). This variant is present in population databases (no rsID available, gnomAD 0.0009%). This variant has not been reported in the literature in individuals affected with PIGN-related conditions. ClinVar contains an entry for this variant (Variation ID: 660374). Invitae Evidence Modeling of protein sequence and biophysical properties (such as structural, functional, and spatial information, amino acid conservation, physicochemical variation, residue mobility, and thermodynamic stability) indicates that this missense variant is not expected to disrupt PIGN protein function with a negative predictive value of 80%. In summary, the available evidence is currently insufficient to determine the role of this variant in disease. Therefore, it has been classified as a Variant of Uncertain Significance.